The following is an entry in ClinVar:

ClinVar aggregate classification (germline): Uncertain significance (1 of 4 stars; one submission).

gnomAD v4.1: 19 of 1,614,162 alleles (0.0012%); highest among the groups gnomAD compares: Non-Finnish European, 0.00085%; no homozygotes.

Submission:

Labcorp Genetics (formerly Invitae), Labcorp
Classification: Uncertain significance. Last evaluated: 2024-08-29. Review status: criteria provided, single submitter. Criteria: Invitae Variant Classification Sherloc (09022015). Collection method: clinical testing. Allele origin: germline.
Comment: This sequence change replaces tyrosine, which is neutral and polar, with asparagine, which is neutral and polar, at codon 588 of the SOX6 protein (p.Tyr588Asn). This variant is present in population databases (rs763449652, gnomAD 0.009%). This variant has not been reported in the literature in individuals affected with SOX6-related conditions. Invitae Evidence Modeling of protein sequence and biophysical properties (such as structural, functional, and spatial information, amino acid conservation, physicochemical variation, residue mobility, and thermodynamic stability) indicates that this missense variant is not expected to disrupt SOX6 protein function with a negative predictive value of 80%. In summary, the available evidence is currently insufficient to determine the role of this variant in disease. Therefore, it has been classified as a Variant of Uncertain Significance.

NM_001367873.1(SOX6):c.1822T>A (p.Tyr608Asn)

Gene: SOX6 (SRY-box transcription factor 6; minus strand). Cytogenetic location: 11p15.2.
Variant type: single nucleotide variant.
Coding change: c.1822T>A on transcript NM_001367873.1 (MANE Select); coding-DNA position 1822, T replaced by A.
Protein change: p.Tyr608Asn; replaces tyrosine 608 with asparagine.
Molecular consequence: missense variant.
Genome position (GRCh38, 1-based): chr11:15,989,141, A>T on the plus strand (T>A on the coding strand, the complement: SOX6 is on the minus strand). VCF-style: chr11-15989141-A-T. GRCh37 (hg19) VCF-style: chr11-16010687-A-T.
Other names: c.1741T>A, p.Tyr581Asn (NM_001145811.2, NM_017508.3); c.1822T>A, p.Tyr608Asn (NM_001145819.2); c.1699T>A, p.Tyr567Asn (NM_001367872.1); c.1762T>A, p.Tyr588Asn (NM_033326.3); short protein forms Y567N, Y581N, Y588N, Y608N.
Identifiers: ClinVar variation 3614225 (VCV003614225.2).